The following is an entry in ClinVar:

ClinVar aggregate classification (germline): Uncertain significance. Review status: criteria provided, multiple submitters, no conflicts (2 of 4 stars). 2 submissions from 2 submitters: Uncertain significance (2). Last evaluated 2026-03-11.

Conditions:
SAMD9L-related disorder. Also called: SAMD9L-related condition; SAMD9L-related disorders.
Inborn genetic diseases. Identifiers: MedGen C0950123, MeSH D030342.

gnomAD v4.1: 3 of 1,612,518 alleles (0.00019%); highest among the groups gnomAD compares: Non-Finnish European, 0.00025%; no homozygotes.

Submissions (2):

PreventionGenetics, part of Exact Sciences
Classification: Uncertain significance for SAMD9L-related condition. Last evaluated: 2026-03-11. Review status: criteria provided, single submitter. Criteria: ACMG Guidelines, 2015. Collection method: clinical testing. Allele origin: germline.
Comment: The SAMD9L c.2861C>G variant is predicted to result in the amino acid substitution p.Pro954Arg. To our knowledge, this variant has not been reported in the literature or in a large population database (gnomAD), indicating this variant is rare. This variant is classified as having uncertain clinical significance in the ClinVar database (Variation ID: 3437231). At this time, the clinical significance of this variant is uncertain due to the absence of conclusive functional and genetic evidence.

Ambry Genetics
Classification: Uncertain significance for Inborn genetic diseases. Last evaluated: 2024-12-07. Review status: criteria provided, single submitter. Criteria: Ambry Variant Classification Scheme 2023. Collection method: clinical testing. Allele origin: germline.
Comment: The p.P954R variant (also known as c.2861C>G), located in coding exon 1 of the SAMD9L gene, results from a C to G substitution at nucleotide position 2861. The proline at codon 954 is replaced by arginine, an amino acid with dissimilar properties. This amino acid position is conserved. In addition, this alteration is predicted to be tolerated by in silico analysis. Based on the available evidence, the clinical significance of this variant remains unclear.

NM_152703.5(SAMD9L):c.2861C>G (p.Pro954Arg)

Gene: SAMD9L (sterile alpha motif domain containing 9 like; minus strand). Cytogenetic location: 7q21.2.
Variant type: single nucleotide variant.
Coding change: c.2861C>G on transcript NM_152703.5 (MANE Select); coding-DNA position 2861, C replaced by G.
Protein change: p.Pro954Arg; replaces proline 954 with arginine.
Molecular consequence: missense variant.
Genome position (GRCh38, 1-based): chr7:93,133,111, G>C on the plus strand (C>G on the coding strand, the complement: SAMD9L is on the minus strand). VCF-style: chr7-93133111-G-C. GRCh37 (hg19) VCF-style: chr7-92762424-G-C.
Other names: c.2861C>G (NM_152703.3); c.2861C>G, p.Pro954Arg (NM_001303496.3, NM_001303497.3, NM_001303498.3 and 5 more transcripts); short protein forms P954R.
Identifiers: ClinVar variation 3437231 (VCV003437231.2).